The following is an entry in ClinVar:

NM_000094.4(COL7A1):c.8780G>A (p.Arg2927His)

Gene: COL7A1 (collagen type VII alpha 1 chain; minus strand). Cytogenetic location: 3p21.31.
Variant type: single nucleotide variant.
Coding change: c.8780G>A on transcript NM_000094.4 (MANE Select); coding-DNA position 8780, G replaced by A.
Protein change: p.Arg2927His; replaces arginine 2927 with histidine.
Molecular consequence: missense variant.
Genome position (GRCh38, 1-based): chr3:48,564,821, C>T on the plus strand (G>A on the coding strand, the complement: COL7A1 is on the minus strand). VCF-style: chr3-48564821-C-T. GRCh37 (hg19) VCF-style: chr3-48602254-C-T.
Other names: short protein forms R2927H.
Identifiers: ClinVar variation 1687653 (VCV001687653.14), dbSNP rs150903058, ClinGen allele CA2377879.
Genomic context (GRCh38, chr3:48,564,821, plus strand): 5'-ACGGTGGGGGCTCAGCCCATACCTGTCCCCTGGCTCTGGACCACCCGGGGTGGGCAGCGG[C>T]GCTCGCAGGCCTCACGGGTCCCAAAACGGTTGGCATTCCCTCCACAGCCACCATAGACAA-3'
Protein context (NP_000085.1, residues 2917-2937): NRFGTREACE[Arg2927His]RCPPRVVQSQ

ClinVar aggregate classification (germline): Conflicting classifications of pathogenicity. Review status: criteria provided, conflicting classifications (1 of 4 stars). 5 submissions from 5 submitters: Pathogenic (1); Uncertain significance (4). Last evaluated 2026-06-06.

Conditions:
COL7A1-related disorder. Also called: COL7A1-related condition; COL7A1- related disorders.
Transient bullous dermolysis of the newborn (TBDN). Also called: EPIDERMOLYSIS BULLOSA DYSTROPHICA, NEONATAL FORM; DYSTROPHIC EPIDERMOLYSIS BULLOSA, NEONATAL. Identifiers: Orphanet 79411, MedGen C1851573, MONDO:0007548, OMIM 131705.
Generalized dominant dystrophic epidermolysis bullosa (DDEB). Also called: Dominant DEB (DDEB); DYSTROPHIC EPIDERMOLYSIS BULLOSA, AUTOSOMAL DOMINANT; Epidermolysis bullosa dystrophica, autosomal dominant; DDEB, generalized; DDEB-gen. Identifiers: Orphanet 231568, MedGen C0432322, MONDO:0007549, OMIM 131750.
Pretibial dystrophic epidermolysis bullosa. Also called: Pretibial epidermolysis bullosa; EPIDERMOLYSIS BULLOSA DYSTROPHICA, PRETIBIAL; Pretibial blistering. Identifiers: Orphanet 79410, MedGen C0432321, MONDO:0007552, OMIM 131850, HP:0012221.
Dominant dystrophic epidermolysis bullosa with absence of skin. Also called: EPIDERMOLYSIS BULLOSA WITH CONGENITAL LOCALIZED ABSENCE OF SKIN AND DEFORMITY OF NAILS; EPIDERMOLYSIS BULLOSA DYSTROPHICA, BART TYPE. Identifiers: MedGen C0268371, MONDO:0007557, OMIM 132000.
Nonsyndromic congenital nail disorder 8. Also called: TOENAIL DYSTROPHY, ISOLATED. Identifiers: MedGen C1843761, MONDO:0011852, OMIM 607523.
Epidermolysis bullosa pruriginosa. Also called: DEB, PRURIGINOSA; DYSTROPHIC EPIDERMOLYSIS BULLOSA PRURIGINOSA. Identifiers: Orphanet 89843, MedGen C1275114, MONDO:0011398, OMIM 604129.
Recessive dystrophic epidermolysis bullosa (RDEB). Also called: epidermolysis bullosa dystrophica, autosomal recessive; Recessive DEB (RDEB); DYSTROPHIC EPIDERMOLYSIS BULLOSA, AUTOSOMAL RECESSIVE; EPIDERMOLYSIS BULLOSA DYSTROPHICA, HALLOPEAU-SIEMENS TYPE; EPIDERMOLYSIS BULLOSA DYSTROPHICA, GENERALIZED SEVERE, AUTOSOMAL RECESSIVE; Hallopeau-Siemens Disease. Identifiers: Orphanet 79408, Orphanet 79409, MedGen C0079474, MONDO:0009179, OMIM 226600.

Allele frequency attached by ClinVar (database versions not stated): gnomAD exomes 0.00018 and 0.00034; TOPMed 0.00018; ExAC 0.00020; gnomAD 0.00021; ESP Exome Variant Server 0.00023.
gnomAD v4.1: 524 of 1,613,980 alleles (0.032%); highest among the groups gnomAD compares: Non-Finnish European, 0.042%; 1 homozygote.

Submissions (5):

PreventionGenetics, part of Exact Sciences
Classification: Uncertain significance for COL7A1-related condition. Last evaluated: 2026-06-06. Review status: criteria provided, single submitter. Criteria: ACMG Guidelines, 2015. Collection method: clinical testing. Allele origin: germline.
Comment: The COL7A1 c.8780G>A variant is predicted to result in the amino acid substitution p.Arg2927His. This variant has been reported in the compound heterozygous state in individuals with dystrophic epidermolysis bullosa, and on the same allele with c.3840del variant in a few of these patients (Appendix 1, Varki et al 2007. PubMed ID: 16971478). This variant is reported in 0.035% of alleles in individuals of European (Non-Finnish) descent in gnomAD. Although we suspect that this variant may be pathogenic, at this time, the clinical significance of this variant is uncertain due to the absence of conclusive functional and genetic evidence.

Labcorp Genetics (formerly Invitae), Labcorp
Classification: Pathogenic. Last evaluated: 2026-01-23. Review status: criteria provided, single submitter. Criteria: Invitae Variant Classification Sherloc (09022015). Collection method: clinical testing. Allele origin: germline.
Comment: This sequence change replaces arginine, which is basic and polar, with histidine, which is basic and polar, at codon 2927 of the COL7A1 protein (p.Arg2927His). This variant is present in population databases (rs150903058, gnomAD 0.03%). This missense change has been observed in individual(s) with autosomal recessive dystrophic epidermolysis bullosa (PMID: 16971478, 26446410). ClinVar contains an entry for this variant (Variation ID: 1687653). Invitae Evidence Modeling of protein sequence and biophysical properties (such as structural, functional, and spatial information, amino acid conservation, physicochemical variation, residue mobility, and thermodynamic stability) indicates that this missense variant is not expected to disrupt COL7A1 protein function with a negative predictive value of 95%. For these reasons, this variant has been classified as Pathogenic.

GeneDx
Classification: Uncertain significance. Last evaluated: 2025-08-21. Review status: criteria provided, single submitter. Criteria: GeneDx Variant Classification Process June 2021. Collection method: clinical testing. Allele origin: germline. Affected: yes.
Comment: In silico analysis suggests that this missense variant does not alter protein structure/function; This variant is associated with the following publications: (PMID: 21228398, 26446410, 38484894, 16971478, 40027886)

Blueprint Genetics
Classification: Uncertain significance. Last evaluated: 2024-04-02. Review status: criteria provided, single submitter. Criteria: ACMG Guidelines, 2015. Collection method: clinical testing. Allele origin: germline.

Fulgent Genetics
Classification: Uncertain significance for Transient bullous dermolysis of the newborn; Generalized dominant dystrophic epidermolysis bullosa; Pretibial dystrophic epidermolysis bullosa; Dominant dystrophic epidermolysis bullosa with absence of skin; Recessive dystrophic epidermolysis bullosa; Epidermolysis bullosa pruriginosa; Nonsyndromic congenital nail disorder 8. Last evaluated: 2024-01-30. Review status: criteria provided, single submitter. Criteria: ACMG Guidelines, 2015. Collection method: clinical testing. Allele origin: germline.

Literature cited by the submitters: PubMed 16971478 (cited by Labcorp Genetics (formerly Invitae), Labcorp); PubMed 26446410 (cited by Labcorp Genetics (formerly Invitae), Labcorp).